The following is an entry in ClinVar:

NM_001081.4(CUBN):c.5943C>A (p.Phe1981Leu)

Gene: CUBN (cubilin; minus strand). Cytogenetic location: 10p13.
Variant type: single nucleotide variant.
Coding change: c.5943C>A on transcript NM_001081.4 (MANE Select); coding-DNA position 5943, C replaced by A.
Protein change: p.Phe1981Leu; replaces phenylalanine 1981 with leucine.
Molecular consequence: missense variant.
Genome position (GRCh38, 1-based): chr10:16,933,268, G>T on the plus strand (C>A on the coding strand, the complement: CUBN is on the minus strand). VCF-style: chr10-16933268-G-T. GRCh37 (hg19) VCF-style: chr10-16975267-G-T.
Other names: short protein forms F1981L.
Identifiers: ClinVar variation 2716671 (VCV002716671.4), dbSNP rs1842413628, ClinGen allele CA376153725.

ClinVar aggregate classification (germline): Uncertain significance. Review status: criteria provided, multiple submitters, no conflicts (2 of 4 stars). 2 submissions from 2 submitters: Uncertain significance (2). Last evaluated 2024-10-20.

Conditions:
Inborn genetic diseases. Identifiers: MedGen C0950123, MeSH D030342.
Imerslund-Grasbeck syndrome. Also called: Megaloblastic anemia due to inborn errors of metabolism; PERNICIOUS ANEMIA, JUVENILE, DUE TO SELECTIVE INTESTINAL MALABSORPTION OF VITAMIN B12, WITH PROTEINURIA; ENTEROCYTE COBALAMIN MALABSORPTION; ENTEROCYTE INTRINSIC FACTOR RECEPTOR, DEFECT OF; Imerslund-Gräsbeck syndrome. Identifiers: Orphanet 35858, MedGen C4551825, MONDO:0009853.

Allele frequency attached by ClinVar (database versions not stated): gnomAD exomes below 0.00001; gnomAD 0.00001.
gnomAD v4.1: 4 of 1,613,596 alleles (0.00025%); highest among the groups gnomAD compares: African/African-American, 0.004%; no homozygotes.

Submissions (2):

Ambry Genetics
Classification: Uncertain significance for Inborn genetic diseases. Last evaluated: 2024-10-20. Review status: criteria provided, single submitter. Criteria: Ambry Variant Classification Scheme 2023. Collection method: clinical testing. Allele origin: germline.

Labcorp Genetics (formerly Invitae), Labcorp
Classification: Uncertain significance for Imerslund-Grasbeck syndrome. Last evaluated: 2024-04-22. Review status: criteria provided, single submitter. Criteria: Invitae Variant Classification Sherloc (09022015). Collection method: clinical testing. Allele origin: germline.
Comment: This sequence change replaces phenylalanine, which is neutral and non-polar, with leucine, which is neutral and non-polar, at codon 1981 of the CUBN protein (p.Phe1981Leu). This variant is not present in population databases (gnomAD no frequency). This variant has not been reported in the literature in individuals affected with CUBN-related conditions. Advanced modeling of protein sequence and biophysical properties (such as structural, functional, and spatial information, amino acid conservation, physicochemical variation, residue mobility, and thermodynamic stability) performed at Invitae indicates that this missense variant is not expected to disrupt CUBN protein function with a negative predictive value of 80%. In summary, the available evidence is currently insufficient to determine the role of this variant in disease. Therefore, it has been classified as a Variant of Uncertain Significance.